The following is an entry in ClinVar:

ClinVar aggregate classification (germline): Uncertain significance (1 of 4 stars; one submission).

Submission:

Dasa
Classification: Uncertain significance. Last evaluated: 2026-04-02. Review status: criteria provided, single submitter. Criteria: DASA Assertion Criteria. Collection method: clinical testing. Allele origin: germline.
Comment: NM_005633.4(SOS1):c.951_958delinsAC (p.Gly319_Ala320del) is an in-frame deletion predicted to remove amino acids from glycine at protein position 319 through alanine at protein position 320 without shifting the reading frame. This variant is absent from population databases. The currently available literature and clinical evidence are not sufficient to establish a definitive association between this variant and the reported condition. Therefore, this variant is classified as a variant of uncertain significance.

NM_005633.4(SOS1):c.951_958delinsAC (p.Gly319_Ala320del)

Gene: SOS1 (SOS Ras/Rac guanine nucleotide exchange factor 1; minus strand). Cytogenetic location: 2p22.1.
Variant type: Indel.
Coding change: c.951_958delinsAC on transcript NM_005633.4 (MANE Select); coding-DNA positions 951 to 958, GCCTGGGG replaced by AC.
Protein change: p.Gly319_Ala320del.
Molecular consequence: inframe deletion.
Genome position (GRCh38, 1-based): chr2:39,035,407-39,035,414, CCCCAGGC replaced by GT on the plus strand (GCCTGGGG replaced by AC on the coding strand, the reverse complement: SOS1 is on the minus strand). VCF-style: chr2-39035407-CCCCAGGC-GT. GRCh37 (hg19) VCF-style: chr2-39262548-CCCCAGGC-GT.
Other names: c.930_937delinsAC, p.Gly312_Ala313del (NM_001382394.1); c.951_958delinsAC, p.Gly319_Ala320del (NM_001382395.1).
Identifiers: ClinVar variation 4886360 (VCV004886360.2).